The following is an entry in ClinVar:

NM_001143760.1(EIF5A):c.50G>C (p.Arg17Thr)

Gene: EIF5A (eukaryotic translation initiation factor 5A; plus strand). Cytogenetic location: 17p13.1.
Variant type: single nucleotide variant.
Coding change: c.50G>C on transcript NM_001143760.1; coding-DNA position 50, G replaced by C.
Protein change: p.Arg17Thr; replaces arginine 17 with threonine.
Molecular consequence: missense variant. On other transcripts: 5 prime UTR variant (1).
Genome position (GRCh38, 1-based): chr17:7,307,096, G>C. VCF-style: chr17-7307096-G-C. GRCh37 (hg19) VCF-style: chr17-7210415-G-C.
Other names: c.-39G>C (NM_001370420.1); short protein forms R17T.
Identifiers: ClinVar variation 4997066 (VCV004997066.1).

ClinVar aggregate classification (germline): Uncertain significance (1 of 4 stars; one submission).

Conditions:
EIF5A-related disorder. Also called: EIF5A-related condition.

Submission:

PreventionGenetics, part of Exact Sciences
Classification: Uncertain significance for EIF5A-related condition. Last evaluated: 2024-11-14. Review status: criteria provided, single submitter. Criteria: ACMG Guidelines, 2015. Collection method: clinical testing. Allele origin: germline.
Comment: The EIF5A c.50G>C variant is predicted to result in the amino acid substitution p.Arg17Thr. To our knowledge, this variant has not been reported in the literature or in a large population database (gnomAD), indicating this variant is rare. At this time, the clinical significance of this variant is uncertain due to the absence of conclusive functional and genetic evidence.